The following is an entry in ClinVar:

NC_000023.10:g.(?_103031924)_(103045526_?)del

Gene: PLP1 (proteolipid protein 1; plus strand). Cytogenetic location: Xq22.2.
Variant type: Deletion.
Identifiers: ClinVar variation 2423244 (VCV002423244.3).

ClinVar aggregate classification (germline): Pathogenic (1 of 4 stars; one submission).

Conditions:
Hereditary spastic paraplegia 2 (SPG2). Also called: Spastic Paraplegia 2 (SPG2); SPASTIC PARAPLEGIA 2, X-LINKED. Identifiers: Orphanet 99015, MedGen C0751604, MONDO:0010733, OMIM 312920.

Submission:

Labcorp Genetics (formerly Invitae), Labcorp
Classification: Pathogenic for Hereditary spastic paraplegia 2. Last evaluated: 2022-10-14. Review status: criteria provided, single submitter. Criteria: Invitae Variant Classification Sherloc (09022015). Collection method: clinical testing. Allele origin: germline.
Comment: A gross deletion of the genomic region encompassing the full coding sequence of the PLP1 gene has been identified. Loss-of-function variants in PLP1 are known to be pathogenic (PMID: 18470932). The boundaries of this event are unknown as they extend beyond the assayed region for this gene and therefore may encompass additional genes. A similar copy number variant has been observed in individuals with Pelizaeus-Merzbacher disease (PMID: 1720927, 24139698). For these reasons, this variant has been classified as Pathogenic.

Literature cited by the submitters: PubMed 18470932; PubMed 1720927; PubMed 24139698.